The following is an entry in ClinVar:

NM_000257.4(MYH7):c.4911C>G (p.Ala1637=)

Genes: MHRT (myosin heavy chain associated RNA transcript; plus strand), MYH7 (myosin heavy chain 7; minus strand), LOC126861897 (BRD4-independent group 4 enhancer GRCh37_chr14:23884455-23885654; plus strand). Cytogenetic location: 14q11.2.
Variant type: single nucleotide variant.
Coding change: c.4911C>G on transcript NM_000257.4 (MANE Select); coding-DNA position 4911, C replaced by G.
Protein change: p.Ala1637=; no amino-acid change (alanine 1637 retained).
Molecular consequence: synonymous variant. On other transcripts: non-coding transcript variant (1).
Genome position (GRCh38, 1-based): chr14:23,416,046, G>C on the plus strand (C>G on the coding strand, the complement: MYH7 is on the minus strand). VCF-style: chr14-23416046-G-C. GRCh37 (hg19) VCF-style: chr14-23885255-G-C.
Other names: c.4911C>G (NM_000257.3); c.4911C>G, p.Ala1637= (NM_001407004.1).
Identifiers: ClinVar variation 1744056 (VCV001744056.6), dbSNP rs151113658, ClinGen allele CA485766475.
Genomic context (GRCh38, chr14:23,416,046, plus strand): 5'-TCCCCTCTGGGTGAGTACCTTCAACAAGCTCTGGAGGCTCTTGACTTGCTTCTGGGCCTC[G>C]GCGGCCATGCGGTTGGCGTGGCTGAGCTGGATCTCCATCTCATTGAGGTCTCCTTCCATC-3'
Protein context (NP_000248.2, residues 1627-1647): IQLSHANRMA[Ala1637=]EAQKQVKSLQ

ClinVar aggregate classification (germline): Likely benign. Review status: criteria provided, multiple submitters, no conflicts (2 of 4 stars). 4 submissions from 4 submitters: Likely benign (4). Last evaluated 2026-05-09.

Conditions:
Cardiomyopathy (CMYO). Also called: Cardiomyopathies. Identifiers: Orphanet 167848, MedGen C0878544, MONDO:0004994, HP:0001638. Inheritance: Various modes of inheritance.
Hypertrophic cardiomyopathy. Also called: HYPERTROPHIC MYOCARDIOPATHY. Identifiers: Orphanet 217569, MedGen C0007194, MeSH D002312, MONDO:0005045, HP:0001639.
MYH7-related disorder. Also called: MYH7-related disorders; MYH7-related condition; MYH7-related disease.
Cardiovascular phenotype. Identifiers: MedGen CN230736.

gnomAD v4.1: 2 of 1,614,152 alleles (0.00012%); highest among the groups gnomAD compares: African/African-American, 0.0013%; no homozygotes.

Submissions (4):

PreventionGenetics, part of Exact Sciences
Classification: Likely benign for MYH7-related condition. Last evaluated: 2026-05-09. Review status: criteria provided, single submitter. Criteria: ACMG Guidelines, 2015. Collection method: clinical testing. Allele origin: germline.
Comment: This variant is classified as likely benign based on ACMG/AMP sequence variant interpretation guidelines (Richards et al. 2015 PMID: 25741868, with internal and published modifications).

All of Us Research Program, National Institutes of Health
Classification: Likely benign for Cardiomyopathy. Last evaluated: 2024-04-25. Review status: criteria provided, single submitter. Criteria: ACMG Guidelines, 2015. Collection method: clinical testing. Allele origin: germline. Inheritance: Autosomal dominant inheritance. Observed: 2 variant alleles, 2 heterozygotes.
Comment: This study involves interpretation of variants in research participants for the purpose of population health screening. Participant phenotype was not available at the time of variant classification. Additional details can be found in publication PMID: 35346344, PMCID: PMC8962531

Labcorp Genetics (formerly Invitae), Labcorp
Classification: Likely benign for Hypertrophic cardiomyopathy. Last evaluated: 2024-02-22. Review status: criteria provided, single submitter. Criteria: Invitae Variant Classification Sherloc (09022015). Collection method: clinical testing. Allele origin: germline.

Ambry Genetics
Classification: Likely benign for Cardiovascular phenotype. Last evaluated: 2020-01-28. Review status: criteria provided, single submitter. Criteria: Ambry Variant Classification Scheme 2023. Collection method: clinical testing. Allele origin: germline.